The following is an entry in ClinVar:

ClinVar aggregate classification (germline): Uncertain significance. Review status: criteria provided, multiple submitters, no conflicts (2 of 4 stars). 2 submissions from 2 submitters: Uncertain significance (2). Last evaluated 2023-08-17.

Conditions:
FGFR2-related craniosynostosis. Identifiers: MedGen CN231480.

Allele frequency attached by ClinVar (database versions not stated): gnomAD exomes below 0.00001.
gnomAD v4.1: 4 of 1,614,216 alleles (0.00025%); highest among the groups gnomAD compares: Non-Finnish European, 0.00025%; no homozygotes.

Submissions (2):

Labcorp Genetics (formerly Invitae), Labcorp
Classification: Uncertain significance for FGFR2-related craniosynostosis. Last evaluated: 2023-08-17. Review status: criteria provided, single submitter. Criteria: Invitae Variant Classification Sherloc (09022015). Collection method: clinical testing. Allele origin: germline.
Comment: This sequence change replaces arginine, which is basic and polar, with glycine, which is neutral and non-polar, at codon 100 of the FGFR2 protein (p.Arg100Gly). This variant is present in population databases (no rsID available, gnomAD 0.003%). In summary, the available evidence is currently insufficient to determine the role of this variant in disease. Therefore, it has been classified as a Variant of Uncertain Significance. Advanced modeling of protein sequence and biophysical properties (such as structural, functional, and spatial information, amino acid conservation, physicochemical variation, residue mobility, and thermodynamic stability) has been performed at Invitae for this missense variant, however the output from this modeling did not meet the statistical confidence thresholds required to predict the impact of this variant on FGFR2 protein function. This variant has not been reported in the literature in individuals affected with FGFR2-related conditions.

Blueprint Genetics
Classification: Uncertain significance. Last evaluated: 2019-11-28. Review status: criteria provided, single submitter. Criteria: ACMG Guidelines, 2015. Collection method: clinical testing. Allele origin: germline.

NM_000141.5(FGFR2):c.298A>G (p.Arg100Gly)

Gene: FGFR2 (fibroblast growth factor receptor 2; minus strand). Cytogenetic location: 10q26.13.
Variant type: single nucleotide variant.
Coding change: c.298A>G on transcript NM_000141.5 (MANE Select); coding-DNA position 298, A replaced by G.
Protein change: p.Arg100Gly; replaces arginine 100 with glycine.
Molecular consequence: missense variant. On other transcripts: intron variant (9).
Genome position (GRCh38, 1-based): chr10:121,565,516, T>C on the plus strand (A>G on the coding strand, the complement: FGFR2 is on the minus strand). VCF-style: chr10-121565516-T-C. GRCh37 (hg19) VCF-style: chr10-123325030-T-C.
Other names: c.298A>G, p.Arg100Gly (NM_001144913.1, NM_001144914.1, NM_001144917.2 and 3 more transcripts); c.110-14057A>G (NM_001144918.2, NM_001441091.1, NM_001441090.1 and 1 more transcripts); c.110-937A>G (NM_001441089.1, NM_023029.3, NM_001441088.1 and 2 more transcripts); short protein forms R100G.
Identifiers: ClinVar variation 2843882 (VCV002843882.4), dbSNP rs1324769001, ClinGen allele CA378324863.